The following is an entry in ClinVar:

NM_005633.4(SOS1):c.1455T>G (p.Asn485Lys)

Gene: SOS1 (SOS Ras/Rac guanine nucleotide exchange factor 1; minus strand). Cytogenetic location: 2p22.1.
Variant type: single nucleotide variant.
Coding change: c.1455T>G on transcript NM_005633.4 (MANE Select); coding-DNA position 1455, T replaced by G.
Protein change: p.Asn485Lys; replaces asparagine 485 with lysine.
Molecular consequence: missense variant.
Genome position (GRCh38, 1-based): chr2:39,022,973, A>C on the plus strand (T>G on the coding strand, the complement: SOS1 is on the minus strand). VCF-style: chr2-39022973-A-C. GRCh37 (hg19) VCF-style: chr2-39250114-A-C.
Other names: c.1434T>G, p.Asn478Lys (NM_001382394.1); c.1455T>G, p.Asn485Lys (NM_001382395.1); short protein forms N478K, N485K.
Identifiers: ClinVar variation 1721710 (VCV001721710.19), dbSNP rs1572830513, ClinGen allele CA346366136.
Genomic context (GRCh38, chr2:39,022,973, plus strand): 5'-ATCTTTATCATTAATTTGTACCTTTCGCATAAAAAACTTTTCTTTAAGACGATATTCTGC[A>C]TTGCTAGCACCAGGAAGTCTTGGCTGCCCATGATTTGATTTACAGCAAATCATTAAGCCA-3'
Protein context (NP_005624.2, residues 475-495): HGQPRLPGAS[Asn485Lys]AEYRLKEKFF

ClinVar aggregate classification (germline): Conflicting classifications of pathogenicity. Review status: criteria provided, conflicting classifications (1 of 4 stars). 2 submissions from 2 submitters: Likely pathogenic (1); Uncertain significance (1). Last evaluated 2024-11-01.

Conditions:
RASopathy. Also called: Noonan spectrum disorder; rasopathies. Identifiers: Orphanet 536391, MedGen C5555857, MONDO:0021060.

Submissions (2):

CeGaT Center for Human Genetics Tuebingen
Classification: Uncertain significance. Last evaluated: 2024-11-01. Review status: criteria provided, single submitter. Criteria: CeGaT Center For Human Genetics Tuebingen Variant Classification Criteria Version 2. Collection method: clinical testing. Allele origin: germline. Affected: yes. Observed: 1 variant allele.
Comment: SOS1: PM2

Labcorp Genetics (formerly Invitae), Labcorp
Classification: Likely pathogenic for RASopathy. Last evaluated: 2022-11-01. Review status: criteria provided, single submitter. Criteria: Invitae Variant Classification Sherloc (09022015). Collection method: clinical testing. Allele origin: germline.
Comment: In summary, the currently available evidence indicates that the variant is pathogenic, but additional data are needed to prove that conclusively. Therefore, this variant has been classified as Likely Pathogenic. Advanced modeling of protein sequence and biophysical properties (such as structural, functional, and spatial information, amino acid conservation, physicochemical variation, residue mobility, and thermodynamic stability) performed at Invitae indicates that this missense variant is not expected to disrupt SOS1 protein function. This missense change has been observed in individual(s) with autosomal dominant Noonan syndrome (Invitae). In at least one individual the variant was observed to be de novo. This variant is not present in population databases (gnomAD no frequency). This sequence change replaces asparagine, which is neutral and polar, with lysine, which is basic and polar, at codon 485 of the SOS1 protein (p.Asn485Lys).